The following is an entry in ClinVar:

NM_004369.4(COL6A3):c.5266G>T (p.Val1756Leu)

Gene: COL6A3 (collagen type VI alpha 3 chain; minus strand). Cytogenetic location: 2q37.3.
Variant type: single nucleotide variant.
Coding change: c.5266G>T on transcript NM_004369.4 (MANE Select); coding-DNA position 5266, G replaced by T.
Protein change: p.Val1756Leu; replaces valine 1756 with leucine.
Molecular consequence: missense variant.
Genome position (GRCh38, 1-based): chr2:237,366,921, C>A on the plus strand (G>T on the coding strand, the complement: COL6A3 is on the minus strand). VCF-style: chr2-237366921-C-A. GRCh37 (hg19) VCF-style: chr2-238275564-C-A.
Other names: c.3445G>T, p.Val1149Leu (NM_057166.5); c.4648G>T, p.Val1550Leu (NM_057167.4); short protein forms V1149L, V1550L, V1756L.
Identifiers: ClinVar variation 3712081 (VCV003712081.2).

ClinVar aggregate classification (germline): Uncertain significance (1 of 4 stars; one submission).

Conditions:
Bethlem myopathy 1A. Also called: MYOPATHY, BENIGN CONGENITAL, WITH CONTRACTURES; Bethlem myopathy 1; Bethlem Muscular Dystrophy. Identifiers: Orphanet 610, MedGen CN029274, MONDO:0024530, OMIM 158810.

gnomAD v4.1: 1 of 1,614,250 alleles (0.000062%); no homozygotes.

Submission:

Labcorp Genetics (formerly Invitae), Labcorp
Classification: Uncertain significance for Bethlem myopathy 1A. Last evaluated: 2024-09-27. Review status: criteria provided, single submitter. Criteria: Invitae Variant Classification Sherloc (09022015). Collection method: clinical testing. Allele origin: germline.
Comment: This sequence change replaces valine, which is neutral and non-polar, with leucine, which is neutral and non-polar, at codon 1756 of the COL6A3 protein (p.Val1756Leu). This variant is not present in population databases (gnomAD no frequency). This variant has not been reported in the literature in individuals affected with COL6A3-related conditions. Invitae Evidence Modeling of protein sequence and biophysical properties (such as structural, functional, and spatial information, amino acid conservation, physicochemical variation, residue mobility, and thermodynamic stability) indicates that this missense variant is not expected to disrupt COL6A3 protein function with a negative predictive value of 80%. In summary, the available evidence is currently insufficient to determine the role of this variant in disease. Therefore, it has been classified as a Variant of Uncertain Significance.